The following is an entry in ClinVar:

NM_182961.4(SYNE1):c.10822C>T (p.Gln3608Ter)

Gene: SYNE1 (spectrin repeat containing nuclear envelope protein 1; minus strand). Cytogenetic location: 6q25.2.
Variant type: single nucleotide variant.
Coding change: c.10822C>T on transcript NM_182961.4 (MANE Select); coding-DNA position 10822, C replaced by T.
Protein change: p.Gln3608Ter; replaces glutamine 3608 with a stop codon.
Molecular consequence: nonsense.
Genome position (GRCh38, 1-based): chr6:152,354,763, G>A on the plus strand (C>T on the coding strand, the complement: SYNE1 is on the minus strand). VCF-style: chr6-152354763-G-A. GRCh37 (hg19) VCF-style: chr6-152675898-G-A.
Other names: c.10843C>T, p.Gln3615Ter (NM_033071.5); short protein forms Q3608*, Q3615*.
Identifiers: ClinVar variation 4886726 (VCV004886726.2).
Genomic context (GRCh38, chr6:152,354,763, plus strand): 5'-GACGTCTGGTCCTGGGACTAACTTTCTCCTCTGCTGTTTTGAGCCATTCATCTACTTGCT[G>A]AAACTTTTGCTCCATTAGCCTCAATTTGTTCACCACGTTATTGAACTGAGTTCGAGTCTC-3'

ClinVar aggregate classification (germline): Likely pathogenic (1 of 4 stars; one submission).

Submission:

Dasa
Classification: Likely pathogenic. Last evaluated: 2025-01-28. Review status: criteria provided, single submitter. Criteria: DASA Assertion Criteria. Collection method: clinical testing. Allele origin: germline.
Comment: NM_182961.4(SYNE1):c.10822C>T (p.Gln3608*) is a nonsense variant in SYNE1 predicted to introduce a premature termination codon and is predicted to result in an absent or altered protein product. Loss of function is an established disease mechanism for SYNE1-associated disorders. Also, this variant is absent from population databases. Based on the currently available evidence, this variant is classified as likely pathogenic.